The following is an entry in ClinVar:

NM_198994.3(TGM6):c.277A>G (p.Met93Val)

Gene: TGM6 (transglutaminase 6; plus strand). Cytogenetic location: 20p13.
Variant type: single nucleotide variant.
Coding change: c.277A>G on transcript NM_198994.3 (MANE Select); coding-DNA position 277, A replaced by G.
Protein change: p.Met93Val; replaces methionine 93 with valine.
Molecular consequence: missense variant.
Genome position (GRCh38, 1-based): chr20:2,395,289, A>G. VCF-style: chr20-2395289-A-G. GRCh37 (hg19) VCF-style: chr20-2375935-A-G.
Other names: NC_000020.10:g.2375935A>G; c.277A>G, p.Met93Val (NM_001254734.2); short protein forms M93V.
Identifiers: ClinVar variation 896739 (VCV000896739.8), dbSNP rs146529216, ClinGen allele CA9731606.
Genomic context (GRCh38, chr20:2,395,289, plus strand): 5'-GTGTTCCAGACATCGGAGCTGGAGCGGGGTGAGGGCTGGACAGCAGCAAGGGAGGCTCAG[A>G]TGGAGAAAACTCTGACCGTCAGTCTCGCCAGCCCTCCCAGTGCTGTCATTGGCCGCTACC-3'
Protein context (NP_945345.2, residues 83-103): EGWTAAREAQ[Met93Val]EKTLTVSLAS

ClinVar aggregate classification (germline): Benign/Likely benign. Review status: criteria provided, multiple submitters, no conflicts (2 of 4 stars). 4 submissions from 4 submitters: Benign (1); Likely benign (3). Last evaluated 2025-09-30.

Conditions:
Spinocerebellar ataxia type 35. Identifiers: Orphanet 276193, MedGen C3888031, MONDO:0013485, OMIM 613908.

Allele frequency attached by ClinVar (database versions not stated): gnomAD exomes 0.00020 and 0.00043; TOPMed 0.00022; gnomAD 0.00027 and 0.00029; ExAC 0.00035; ESP Exome Variant Server 0.00046.
gnomAD v4.1: 349 of 1,614,078 alleles (0.022%); highest among the groups gnomAD compares: Admixed American, 0.018%; 3 homozygotes.

Submissions (5):

Labcorp Genetics (formerly Invitae), Labcorp
Classification: Benign. Last evaluated: 2025-09-30. Review status: criteria provided, single submitter. Criteria: Invitae Variant Classification Sherloc (09022015). Collection method: clinical testing. Allele origin: germline.

Blueprint Genetics
Classification: Likely benign. Last evaluated: 2024-11-27. Review status: criteria provided, single submitter. Criteria: ACMG Guidelines, 2015. Collection method: clinical testing. Allele origin: germline.

Department of Pathology and Laboratory Medicine, Sinai Health System
Classification: Likely benign for Spinocerebellar ataxia type 35. Last evaluated: 2021-07-30. Review status: criteria provided, single submitter. Criteria: ACMG Guidelines, 2015. Collection method: research. Allele origin: germline.

Illumina Laboratory Services, Illumina
Classification: Likely benign for Spinocerebellar ataxia type 35. Last evaluated: 2018-01-13. Review status: criteria provided, single submitter. Criteria: ICSL Variant Classification Criteria 13 December 2019. Collection method: clinical testing. Allele origin: germline.
Comment: This variant was observed in the ICSL laboratory as part of a predisposition screen in an ostensibly healthy population. It had not been previously curated by ICSL or reported in the Human Gene Mutation Database (HGMD: prior to June 1st, 2018), and was therefore a candidate for classification through an automated scoring system. Utilizing variant allele frequency, disease prevalence and penetrance estimates, and inheritance mode, an automated score was calculated to assess if this variant is too frequent to cause the disease. Based on the score and internal cut-off values, a variant classified as likely benign is not then subjected to further curation. The score for this variant resulted in a classification of likely benign for this disease.

Dr. Peter K. Rogan Lab, Western University
No classification provided (evidence only). Condition: Uterine carcinosarcoma. Review status: no classification provided. Collection method: in vitro. Allele origin: not applicable. Functional consequence: retained intron. Not counted in ClinVar's aggregate classification.